The following is an entry in ClinVar:

NM_000883.4(IMPDH1):c.579+3A>G

Gene: IMPDH1 (inosine monophosphate dehydrogenase 1; minus strand). Cytogenetic location: 7q32.1.
Variant type: single nucleotide variant.
Coding change: c.579+3A>G on transcript NM_000883.4 (MANE Select); 3 bases into the intron after coding-DNA position 579, A replaced by G.
Molecular consequence: intron variant.
Genome position (GRCh38, 1-based): chr7:128,400,814, T>C on the plus strand (A>G on the coding strand, the complement: IMPDH1 is on the minus strand). VCF-style: chr7-128400814-T-C. GRCh37 (hg19) VCF-style: chr7-128040868-T-C.
Other names: c.372+3A>G (NM_001304521.2); c.471+3A>G (NM_183243.3); c.549+3A>G (NM_001102605.2); c.480+3A>G (NM_001142576.2); c.249+201A>G (NM_001142575.2); c.309+18A>G (NM_001142574.2); c.324+3A>G (NM_001142573.2).
Identifiers: ClinVar variation 856882 (VCV000856882.8), dbSNP rs372943232, ClinGen allele CA4471120.

ClinVar aggregate classification (germline): Uncertain significance. Review status: criteria provided, single submitter (1 of 4 stars). 2 submissions from 2 submitters: Uncertain significance (1). 1 of the submissions does not count toward it. Last evaluated 2026-01-24.

Conditions:
IMPDH1-related disorder. Also called: IMPDH1-related disorders; IMPDH1-related condition.

Allele frequency attached by ClinVar (database versions not stated): TOPMed 0.00002; gnomAD exomes 0.00001 and 0.00002; ExAC 0.00001; gnomAD 0.00001; ESP Exome Variant Server 0.00008.
gnomAD v4.1: 22 of 1,613,800 alleles (0.0014%); highest among the groups gnomAD compares: Non-Finnish European, 0.0017%; no homozygotes.

Submissions (2):

Labcorp Genetics (formerly Invitae), Labcorp
Classification: Uncertain significance. Last evaluated: 2026-01-24. Review status: criteria provided, single submitter. Criteria: Invitae Variant Classification Sherloc (09022015). Collection method: clinical testing. Allele origin: germline.
Comment: This sequence change falls in intron 7 of the IMPDH1 gene. It does not directly change the encoded amino acid sequence of the IMPDH1 protein. It affects a nucleotide within the consensus splice site. This variant is present in population databases (rs372943232, gnomAD 0.005%). This variant has not been reported in the literature in individuals affected with IMPDH1-related conditions. ClinVar contains an entry for this variant (Variation ID: 856882). Variants that disrupt the consensus splice site are a relatively common cause of aberrant splicing (PMID: 17576681, 9536098). Algorithms developed to predict the effect of sequence changes on RNA splicing suggest that this variant may disrupt the consensus splice site. In summary, the available evidence is currently insufficient to determine the role of this variant in disease. Therefore, it has been classified as a Variant of Uncertain Significance.

PreventionGenetics, part of Exact Sciences
Classification: Uncertain significance for IMPDH1-related condition. Last evaluated: 2024-08-15. Review status: no assertion criteria provided. Collection method: clinical testing. Allele origin: germline. Not counted in ClinVar's aggregate classification.
Comment: The IMPDH1 c.579+3A>G variant is predicted to interfere with splicing. To our knowledge, this variant has not been reported in the literature. This variant is reported in 0.0040% of alleles in individuals of African descent in gnomAD. At this time, the clinical significance of this variant is uncertain due to the absence of conclusive functional and genetic evidence.

Literature cited by the submitters: PubMed 17576681 (cited by Labcorp Genetics (formerly Invitae), Labcorp); PubMed 9536098 (cited by Labcorp Genetics (formerly Invitae), Labcorp).